The following is an entry in ClinVar:

ClinVar aggregate classification (germline): Uncertain significance (1 of 4 stars; one submission).

Allele frequency attached by ClinVar (database versions not stated): gnomAD exomes below 0.00001.
gnomAD v4.1: 6 of 1,604,502 alleles (0.00037%); highest among the groups gnomAD compares: Non-Finnish European, 0.00051%; no homozygotes.

Submission:

GeneDx
Classification: Uncertain significance. Last evaluated: 2022-07-05. Review status: criteria provided, single submitter. Criteria: GeneDx Variant Classification Process June 2021. Collection method: clinical testing. Allele origin: germline. Affected: yes.
Comment: Not observed at significant frequency in large population cohorts (gnomAD); In silico analysis supports that this missense variant has a deleterious effect on protein structure/function; Has not been previously published as pathogenic or benign to our knowledge

NM_001135146.2(SLC39A8):c.1075G>A (p.Gly359Arg)

Genes: SLC39A8 (solute carrier family 39 member 8; minus strand), LOC126807125 (MED14-independent group 3 enhancer GRCh37_chr4:103188587-103189786; plus strand). Cytogenetic location: 4q24.
Variant type: single nucleotide variant.
Coding change: c.1075G>A on transcript NM_001135146.2 (MANE Select); coding-DNA position 1075, G replaced by A.
Protein change: p.Gly359Arg; replaces glycine 359 with arginine.
Molecular consequence: missense variant.
Genome position (GRCh38, 1-based): chr4:102,267,648, C>T on the plus strand (G>A on the coding strand, the complement: SLC39A8 is on the minus strand). VCF-style: chr4-102267648-C-T. GRCh37 (hg19) VCF-style: chr4-103188805-C-T.
Other names: c.1075G>A, p.Gly359Arg (NM_001135147.1, NM_022154.5); c.874G>A, p.Gly292Arg (NM_001135148.2); short protein forms G359R, G292R.
Identifiers: ClinVar variation 1810718 (VCV001810718.1), dbSNP rs2476346237, ClinGen allele CA357749723.
Genomic context (GRCh38, chr4:102,267,648, plus strand): 5'-CAACATAGCAGGAACATGCAGAAAGGAAGTTGAATAGCAAGGCTTGTCGAGTGCTCATCC[C>T]TGCATTGAGTAGGATCACAAAGTCTCCTAGAAGAAGAAGAAGAAAATATCAAGTGAATAG-3'
Protein context (NP_001128618.1, residues 349-369): LGDFVILLNA[Gly359Arg]MSTRQALLFN